The following is an entry in ClinVar:

NM_001384732.1(CPLANE1):c.9049A>T (p.Ile3017Phe)

Gene: CPLANE1 (ciliogenesis and planar polarity effector complex subunit 1; minus strand). Cytogenetic location: 5p13.2.
Variant type: single nucleotide variant.
Coding change: c.9049A>T on transcript NM_001384732.1 (MANE Select); coding-DNA position 9049, A replaced by T.
Protein change: p.Ile3017Phe; replaces isoleucine 3017 with phenylalanine.
Molecular consequence: missense variant.
Genome position (GRCh38, 1-based): chr5:37,121,753, T>A on the plus strand (A>T on the coding strand, the complement: CPLANE1 is on the minus strand). VCF-style: chr5-37121753-T-A. GRCh37 (hg19) VCF-style: chr5-37121855-T-A.
Other names: c.8887A>T, p.Ile2963Phe (NM_023073.4); short protein forms I2963F, I3017F.
Identifiers: ClinVar variation 1996286 (VCV001996286.4), dbSNP rs1219035432, ClinGen allele CA359496059.

ClinVar aggregate classification (germline): Uncertain significance (1 of 4 stars; one submission).

Allele frequency attached by ClinVar (database versions not stated): TOPMed 0.00001.
gnomAD v4.1: 1 of 1,614,088 alleles (0.000062%); highest among the groups gnomAD compares: Admixed American, 0.0017%; no homozygotes.

Submission:

Labcorp Genetics (formerly Invitae), Labcorp
Classification: Uncertain significance. Last evaluated: 2023-08-10. Review status: criteria provided, single submitter. Criteria: Invitae Variant Classification Sherloc (09022015). Collection method: clinical testing. Allele origin: germline.
Comment: In summary, the available evidence is currently insufficient to determine the role of this variant in disease. Therefore, it has been classified as a Variant of Uncertain Significance. Advanced modeling of protein sequence and biophysical properties (such as structural, functional, and spatial information, amino acid conservation, physicochemical variation, residue mobility, and thermodynamic stability) performed at Invitae indicates that this missense variant is not expected to disrupt CPLANE1 protein function. ClinVar contains an entry for this variant (Variation ID: 1996286). This variant has not been reported in the literature in individuals affected with CPLANE1-related conditions. This variant is present in population databases (no rsID available, gnomAD 0.003%). This sequence change replaces isoleucine, which is neutral and non-polar, with phenylalanine, which is neutral and non-polar, at codon 2963 of the CPLANE1 protein (p.Ile2963Phe).